The following is an entry in ClinVar:

ClinVar aggregate classification (germline): Likely benign (0 of 4 stars; one submission).

Conditions:
ERBB3-related disorder. Also called: ERBB3-related condition.

Allele frequency attached by ClinVar (database versions not stated): TOPMed 0.00001; gnomAD 0.00005; gnomAD exomes 0.00017; ExAC 0.00031.
gnomAD v4.1: 257 of 1,613,382 alleles (0.016%); highest among the groups gnomAD compares: South Asian, 0.27%; 3 homozygotes.

Submission:

PreventionGenetics, part of Exact Sciences
Classification: Likely benign for ERBB3-related condition. Last evaluated: 2019-06-11. Review status: no assertion criteria provided. Collection method: clinical testing. Allele origin: germline.
Comment: This variant is classified as likely benign based on ACMG/AMP sequence variant interpretation guidelines (Richards et al. 2015 PMID: 25741868, with internal and published modifications).

NM_001982.4(ERBB3):c.3888G>A (p.Gln1296=)

Gene: ERBB3 (erb-b2 receptor tyrosine kinase 3; plus strand). Cytogenetic location: 12q13.2.
Variant type: single nucleotide variant.
Coding change: c.3888G>A on transcript NM_001982.4 (MANE Select); coding-DNA position 3888, G replaced by A.
Protein change: p.Gln1296=; no amino-acid change (glutamine 1296 retained).
Molecular consequence: synonymous variant.
Genome position (GRCh38, 1-based): chr12:56,101,914, G>A. VCF-style: chr12-56101914-G-A. GRCh37 (hg19) VCF-style: chr12-56495698-G-A.
Identifiers: ClinVar variation 3034362 (VCV003034362.2), dbSNP rs779896968, ClinGen allele CA6623050.
Genomic context (GRCh38, chr12:56,101,914, plus strand): 5'-TGCAGCCATGGGGGCCTGCCCAGCATCTGAGCAAGGGTATGAAGAGATGAGAGCTTTTCA[G>A]GGGCCTGGACATCAGGCCCCCCATGTCCATTATGCCCGCCTAAAAACTCTACGTAGCTTA-3'
Protein context (NP_001973.2, residues 1286-1306): EQGYEEMRAF[Gln1296=]GPGHQAPHVH